The following is an entry in ClinVar:

NM_021930.6(RINT1):c.1607A>G (p.Tyr536Cys)

Gene: RINT1 (RAD50 interactor 1; plus strand). Cytogenetic location: 7q22.3.
Variant type: single nucleotide variant.
Coding change: c.1607A>G on transcript NM_021930.6 (MANE Select); coding-DNA position 1607, A replaced by G.
Protein change: p.Tyr536Cys; replaces tyrosine 536 with cysteine.
Molecular consequence: missense variant.
Genome position (GRCh38, 1-based): chr7:105,555,163, A>G. VCF-style: chr7-105555163-A-G. GRCh37 (hg19) VCF-style: chr7-105195610-A-G.
Other names: c.1373A>G, p.Tyr458Cys (NM_001346599.2); c.584A>G, p.Tyr195Cys (NM_001346600.2, NM_001346603.2); c.683A>G, p.Tyr228Cys (NM_001346601.2); short protein forms Y536C, Y458C, Y195C, Y228C.
Identifiers: ClinVar variation 3433580 (VCV003433580.1).

ClinVar aggregate classification (germline): Uncertain significance (1 of 4 stars; one submission).

gnomAD v4.1: 1 of 1,614,102 alleles (0.000062%); highest among the groups gnomAD compares: South Asian, 0.0011%; no homozygotes.

Submission:

Ambry Genetics
Classification: Uncertain significance. Last evaluated: 2024-06-27. Review status: criteria provided, single submitter. Criteria: Ambry Variant Classification Scheme 2023. Collection method: clinical testing. Allele origin: germline.
Comment: The p.Y536C variant (also known as c.1607A>G), located in coding exon 11 of the RINT1 gene, results from an A to G substitution at nucleotide position 1607. The tyrosine at codon 536 is replaced by cysteine, an amino acid with highly dissimilar properties. This amino acid position is conserved. In addition, this alteration is predicted to be deleterious by in silico analysis. Based on the available evidence, the clinical significance of this variant remains unclear.